The following is an entry in ClinVar:

NM_014855.3(AP5Z1):c.780C>A (p.Thr260=)

Gene: AP5Z1 (adaptor related protein complex 5 subunit zeta 1; plus strand). Cytogenetic location: 7p22.1.
Variant type: single nucleotide variant.
Coding change: c.780C>A on transcript NM_014855.3 (MANE Select); coding-DNA position 780, C replaced by A.
Protein change: p.Thr260=; no amino-acid change (threonine 260 retained).
Molecular consequence: synonymous variant. On other transcripts: non-coding transcript variant (1).
Genome position (GRCh38, 1-based): chr7:4,784,361, C>A. VCF-style: chr7-4784361-C-A. GRCh37 (hg19) VCF-style: chr7-4823992-C-A.
Other names: c.780C>A, p.Thr260= (LRG_1247t1); c.312C>A, p.Thr104= (NM_001364858.1).
Identifiers: ClinVar variation 360318 (VCV000360318.26), dbSNP rs377507553, ClinGen allele CA4137357.

ClinVar aggregate classification (germline): Conflicting classifications of pathogenicity. Review status: criteria provided, conflicting classifications (1 of 4 stars). 8 submissions from 8 submitters: Uncertain significance (1); Benign (2); Likely benign (3). 2 of the submissions do not count toward it. Last evaluated 2026-01-01.

Conditions:
Hereditary spastic paraplegia 48. Also called: Spastic paraplegia 48; SPASTIC PARAPLEGIA 48, AUTOSOMAL RECESSIVE. Identifiers: Orphanet 306511, MedGen C3150901, MONDO:0013342, OMIM 613647.
AP5Z1-related disorder. Also called: AP5Z1-related condition.
Hereditary spastic paraplegia. Also called: Familial spastic paraparesis. Identifiers: Orphanet 685, MedGen C0037773, MONDO:0019064. Disease mechanism: loss of function.

Allele frequency attached by ClinVar (database versions not stated): ESP Exome Variant Server 0.00034; TOPMed 0.00042; gnomAD 0.00046 and 0.00066; 1000 Genomes Project 30x 0.00078; gnomAD exomes 0.00078 and 0.00167; 1000 Genomes Project 0.00100; ExAC 0.00303.
gnomAD v4.1: 1,246 of 1,597,018 alleles (0.078%); highest among the groups gnomAD compares: South Asian, 0.76%; 7 homozygotes.

Submissions (8):

Labcorp Genetics (formerly Invitae), Labcorp
Classification: Benign for Hereditary spastic paraplegia 48. Last evaluated: 2026-01-01. Review status: criteria provided, single submitter. Criteria: Invitae Variant Classification Sherloc (09022015). Collection method: clinical testing. Allele origin: germline.

PreventionGenetics, part of Exact Sciences
Classification: Likely benign for AP5Z1-related condition. Last evaluated: 2025-07-08. Review status: criteria provided, single submitter. Criteria: ACMG Guidelines, 2015. Collection method: clinical testing. Allele origin: germline.
Comment: This variant is classified as likely benign based on ACMG/AMP sequence variant interpretation guidelines (Richards et al. 2015 PMID: 25741868, with internal and published modifications).

Blueprint Genetics
Classification: Likely benign. Last evaluated: 2024-11-08. Review status: criteria provided, single submitter. Criteria: ACMG Guidelines, 2015. Collection method: clinical testing. Allele origin: germline.

Athena Diagnostics
Classification: Benign. Last evaluated: 2021-02-09. Review status: criteria provided, single submitter. Criteria: Athena Diagnostics criteria. Collection method: clinical testing. Allele origin: unknown.

Illumina Laboratory Services, Illumina
Classification: Uncertain significance for Hereditary spastic paraplegia 48. Last evaluated: 2018-01-13. Review status: criteria provided, single submitter. Criteria: ICSL Variant Classification Criteria 13 December 2019. Collection method: clinical testing. Allele origin: germline.

Genome Diagnostics Laboratory, The Hospital for Sick Children
Classification: Likely benign for Hereditary spastic paraplegia. Last evaluated: 2017-03-17. Review status: criteria provided, single submitter. Criteria: ACMG Guidelines, 2015. Collection method: clinical testing. Allele origin: germline. Affected: yes.

Clinical Genetics DNA and cytogenetics Diagnostics Lab, Erasmus MC, Erasmus Medical Center
Classification: Likely benign. Review status: no assertion criteria provided. Collection method: clinical testing. Allele origin: germline. Affected: yes. Study: VKGL Data-share Consensus. Not counted in ClinVar's aggregate classification.

Joint Genome Diagnostic Labs from Nijmegen and Maastricht, Radboudumc and MUMC+
Classification: Likely benign. Review status: no assertion criteria provided. Collection method: clinical testing. Allele origin: germline. Affected: yes. Study: VKGL Data-share Consensus. Not counted in ClinVar's aggregate classification.

Literature cited by the submitters: PubMed 25333062 (cited by Athena Diagnostics).